The following is an entry in ClinVar:

ClinVar aggregate classification (germline): Likely benign. Review status: criteria provided, multiple submitters, no conflicts (2 of 4 stars). 2 submissions from 2 submitters: Likely benign (2). Last evaluated 2026-07-01.

Allele frequency attached by ClinVar (database versions not stated): 1000 Genomes Project 30x 0.00016; 1000 Genomes Project 0.00020; ExAC 0.00022; ESP Exome Variant Server 0.00023; gnomAD 0.00034; TOPMed 0.00036; gnomAD exomes 0.00077.
gnomAD v4.1: 1,153 of 1,613,822 alleles (0.071%); highest among the groups gnomAD compares: Non-Finnish European, 0.095%; 1 homozygote.

Submissions (2):

CeGaT Center for Human Genetics Tuebingen
Classification: Likely benign. Last evaluated: 2026-07-01. Review status: criteria provided, single submitter. Criteria: CeGaT Center For Human Genetics Tuebingen Variant Classification Criteria Version 2. Collection method: clinical testing. Allele origin: germline. Affected: yes. Observed: 1 variant allele.
Comment: DISP1: BP4, BP7

Labcorp Genetics (formerly Invitae), Labcorp
Classification: Likely benign. Last evaluated: 2026-01-05. Review status: criteria provided, single submitter. Criteria: Invitae Variant Classification Sherloc (09022015). Collection method: clinical testing. Allele origin: germline.

NM_001377229.1(DISP1):c.4251T>C (p.Cys1417=)

Gene: DISP1 (dispatched RND transporter family member 1; plus strand). Cytogenetic location: 1q41.
Variant type: single nucleotide variant.
Coding change: c.4251T>C on transcript NM_001377229.1 (MANE Select); coding-DNA position 4251, T replaced by C.
Protein change: p.Cys1417=; no amino-acid change (cysteine 1417 retained).
Molecular consequence: synonymous variant.
Genome position (GRCh38, 1-based): chr1:223,005,648, T>C. VCF-style: chr1-223005648-T-C. GRCh37 (hg19) VCF-style: chr1-223178990-T-C.
Other names: c.3522T>C, p.Cys1174= (NM_001350630.2); c.4251T>C, p.Cys1417= (NM_001369594.1, NM_001377228.1, NM_032890.5).
Identifiers: ClinVar variation 2084718 (VCV002084718.5), dbSNP rs142872261, ClinGen allele CA1409565.
Genomic context (GRCh38, chr1:223,005,648, plus strand): 5'-AAGCACTGGATCGTTACTCAAAACGTGTTGCGACCCCGAGAATAAACAAAGGGAACTCTG[T>C]AAAAATAGAGACGTGAGCAATCTGGAGAGCAGTGGAGGGACTGAAAACAAGGCAGGAGGG-3'
Protein context (NP_001364158.1, residues 1407-1427): CDPENKQREL[Cys1417=]KNRDVSNLES